The following is an entry in ClinVar:

NM_000092.5(COL4A4):c.558+1G>A

Gene: COL4A4 (collagen type IV alpha 4 chain; minus strand). Cytogenetic location: 2q36.3.
Variant type: single nucleotide variant.
Coding change: c.558+1G>A on transcript NM_000092.5 (MANE Select); the canonical splice donor site of the intron after coding-DNA position 558, G replaced by A.
Molecular consequence: splice donor variant.
Genome position (GRCh38, 1-based): chr2:227,114,627, C>T on the plus strand (G>A on the coding strand, the complement: COL4A4 is on the minus strand). VCF-style: chr2-227114627-C-T. GRCh37 (hg19) VCF-style: chr2-227979343-C-T.
Identifiers: ClinVar variation 974382 (VCV000974382.2), dbSNP rs2061393783, ClinGen allele CA350861202.
Genomic context (GRCh38, chr2:227,114,627, plus strand): 5'-TGCATGGGCTTACCTATTTGGAAGAAAAAATTTTTTAACCCATCATGATCATAATACTTA[C>T]CTGAATACCTTTAACGGCACCTAAAATGAACACTGAATTTCCTTTTTCTCCCTTTTCCCC-3'

ClinVar aggregate classification (germline): Pathogenic. Review status: criteria provided, multiple submitters, no conflicts (2 of 4 stars). 2 submissions from 2 submitters: Pathogenic (2). Last evaluated 2026-09-03.

Conditions:
Autosomal recessive Alport syndrome (ATS2). Also called: ALPORT SYNDROME 2, AUTOSOMAL RECESSIVE; COL4A3-Related Nephropathy; Alport syndrome type 2; COL4A4 Alport Syndrome and Thin Basement Membrane Nephropathy. Identifiers: Orphanet 63, Orphanet 88919, MedGen C4746745, MONDO:0008762, OMIM 203780.
Alport syndrome. Also called: Hemorrhagic familial nephritis; Hemorrhagic hereditary nephritis; Congenital hereditary hematuria. Identifiers: Orphanet 63, MedGen C1567741, MONDO:0018965.

Submissions (2):

Myriad Genetics, Inc.
Classification: Pathogenic for Alport syndrome. Last evaluated: 2026-09-03. Review status: criteria provided, single submitter. Criteria: Myriad Autosomal Dominant, Autosomal Recessive and X-Linked Classification Criteria (2023). Collection method: clinical testing. Allele origin: unknown.
Comment: NM_000092.4(COL4A4):c.558+1G>A is a variant in a canonical splice site classified as pathogenic in the context of Alport syndrome, COL4A4-related. c.558+1G>A has been observed in a case with relevant disease (PMID: 33838161). Relevant functional assessments of this variant are not available in the literature. Internal structural analysis of the variant is supportive of pathogenicity. c.558+1G>A has not been observed in referenced population frequency databases. In summary, NM_000092.4(COL4A4):c.558+1G>A is a variant in a canonical splice site that has internal structural support for pathogenicity and has been observed more frequently in cases with the relevant disease than in healthy populations. Please note: this variant was assessed in the context of healthy population screening.

Molecular Biology Laboratory, Fundació Puigvert
Classification: Pathogenic for Autosomal recessive Alport syndrome. Last evaluated: 2020-02-01. Review status: criteria provided, single submitter. Criteria: ACMG Guidelines, 2015. Collection method: research. Allele origin: germline. Affected: yes. Study: KidneyPanel_2020.

Literature cited by the submitters: PubMed 33838161 (cited by Myriad Genetics, Inc.); PubMed 33532864 (cited by Molecular Biology Laboratory, Fundació Puigvert).